The following is an entry in ClinVar:

NM_000017.4(ACADS):c.1153G>A (p.Ala385Thr)

Gene: ACADS (acyl-CoA dehydrogenase short chain; plus strand). Cytogenetic location: 12q24.31.
Variant type: single nucleotide variant.
Coding change: c.1153G>A on transcript NM_000017.4 (MANE Select); coding-DNA position 1153, G replaced by A.
Protein change: p.Ala385Thr; replaces alanine 385 with threonine.
Molecular consequence: missense variant.
Genome position (GRCh38, 1-based): chr12:120,739,362, G>A. VCF-style: chr12-120739362-G-A. GRCh37 (hg19) VCF-style: chr12-121177165-G-A.
Other names: c.1141G>A, p.Ala381Thr (NM_001302554.2); short protein forms A385T, A381T.
Identifiers: ClinVar variation 1500868 (VCV001500868.6), dbSNP rs202124189, ClinGen allele CA312238.

ClinVar aggregate classification (germline): Uncertain significance (1 of 4 stars; one submission).

Conditions:
Deficiency of butyryl-CoA dehydrogenase (ACADSD). Also called: SCAD Deficiency; ACADS DEFICIENCY; Short-Chain Acyl-CoA Dehydrogenase Deficiency; SCADH DEFICIENCY; SCAD DEFICIENCY, MILD; ACYL-CoA DEHYDROGENASE, SHORT-CHAIN, DEFICIENCY OF. Identifiers: Orphanet 26792, MedGen C0342783, MONDO:0008722, OMIM 201470. Disease mechanism: May be benign.

gnomAD v4.1: 18 of 1,612,902 alleles (0.0011%); highest among the groups gnomAD compares: Admixed American, 0.012%; no homozygotes.

Submission:

Labcorp Genetics (formerly Invitae), Labcorp
Classification: Uncertain significance for Deficiency of butyryl-CoA dehydrogenase. Last evaluated: 2025-06-01. Review status: criteria provided, single submitter. Criteria: Invitae Variant Classification Sherloc (09022015). Collection method: clinical testing. Allele origin: germline.
Comment: This sequence change replaces alanine, which is neutral and non-polar, with threonine, which is neutral and polar, at codon 385 of the ACADS protein (p.Ala385Thr). This variant is present in population databases (no rsID available, gnomAD 0.005%). This missense change has been observed in individual(s) with short chain acyl-CoA dehydrogenase deficiency (PMID: 30612563; internal data). ClinVar contains an entry for this variant (Variation ID: 1500868). Invitae Evidence Modeling of protein sequence and biophysical properties (such as structural, functional, and spatial information, amino acid conservation, physicochemical variation, residue mobility, and thermodynamic stability) indicates that this missense variant is expected to disrupt ACADS protein function with a positive predictive value of 95%. In summary, the available evidence is currently insufficient to determine the role of this variant in disease. Therefore, it has been classified as a Variant of Uncertain Significance.

Literature cited by the submitters: PubMed 30612563.